The following is an entry in ClinVar:

ClinVar aggregate classification (germline): Likely benign. Review status: criteria provided, single submitter (1 of 4 stars). 2 submissions from 2 submitters: Likely benign (1). 1 of the submissions does not count toward it. Last evaluated 2025-04-01.

Conditions:
SETBP1-related disorder. Also called: SETBP1-related condition; SETBP1-related disorders.

Allele frequency attached by ClinVar (database versions not stated): gnomAD 0.00001; gnomAD exomes 0.00001 and 0.00002; TOPMed 0.00002.
gnomAD v4.1: 35 of 1,536,454 alleles (0.0023%); highest among the groups gnomAD compares: Non-Finnish European, 0.0028%; no homozygotes.

Submissions (2):

Labcorp Genetics (formerly Invitae), Labcorp
Classification: Likely benign. Last evaluated: 2025-04-01. Review status: criteria provided, single submitter. Criteria: Invitae Variant Classification Sherloc (09022015). Collection method: clinical testing. Allele origin: germline.

PreventionGenetics, part of Exact Sciences
Classification: Likely benign for SETBP1-related condition. Last evaluated: 2022-01-31. Review status: no assertion criteria provided. Collection method: clinical testing. Allele origin: germline. Not counted in ClinVar's aggregate classification.
Comment: This variant is classified as likely benign based on ACMG/AMP sequence variant interpretation guidelines (Richards et al. 2015 PMID: 25741868, with internal and published modifications).

NM_015559.3(SETBP1):c.4497C>T (p.Ala1499=)

Gene: SETBP1 (SET binding protein 1; plus strand). Cytogenetic location: 18q12.3.
Variant type: single nucleotide variant.
Coding change: c.4497C>T on transcript NM_015559.3 (MANE Select); coding-DNA position 4497, C replaced by T.
Protein change: p.Ala1499=; no amino-acid change (alanine 1499 retained).
Molecular consequence: synonymous variant.
Genome position (GRCh38, 1-based): chr18:45,063,404, C>T. VCF-style: chr18-45063404-C-T. GRCh37 (hg19) VCF-style: chr18-42643369-C-T.
Other names: c.4497C>T (NM_015559.2); c.4497C>T, p.Ala1499= (NM_001379141.1, NM_001379142.1).
Identifiers: ClinVar variation 1536102 (VCV001536102.10), dbSNP rs769896964, ClinGen allele CA8946148.